The following is an entry in ClinVar:

NM_144670.6(A2ML1):c.614C>T (p.Thr205Ile)

Gene: A2ML1 (alpha-2-macroglobulin like 1; plus strand). Cytogenetic location: 12p13.31.
Variant type: single nucleotide variant.
Coding change: c.614C>T on transcript NM_144670.6 (MANE Select); coding-DNA position 614, C replaced by T.
Protein change: p.Thr205Ile; replaces threonine 205 with isoleucine.
Molecular consequence: missense variant.
Genome position (GRCh38, 1-based): chr12:8,835,637, C>T. VCF-style: chr12-8835637-C-T. GRCh37 (hg19) VCF-style: chr12-8988233-C-T.
Other names: short protein forms T205I.
Identifiers: ClinVar variation 1365149 (VCV001365149.8), dbSNP rs1478678570, ClinGen allele CA383821509.

ClinVar aggregate classification (germline): Uncertain significance (1 of 4 stars; one submission).

Submission:

Labcorp Genetics (formerly Invitae), Labcorp
Classification: Uncertain significance. Last evaluated: 2021-07-06. Review status: criteria provided, single submitter. Criteria: Invitae Variant Classification Sherloc (09022015). Collection method: clinical testing. Allele origin: germline.
Comment: This variant has not been reported in the literature in individuals affected with A2ML1-related conditions. In summary, the available evidence is currently insufficient to determine the role of this variant in disease. Therefore, it has been classified as a Variant of Uncertain Significance. Algorithms developed to predict the effect of missense changes on protein structure and function (SIFT, PolyPhen-2, Align-GVGD) all suggest that this variant is likely to be tolerated. This variant is not present in population databases (ExAC no frequency). This sequence change replaces threonine with isoleucine at codon 205 of the A2ML1 protein (p.Thr205Ile). The threonine residue is weakly conserved and there is a moderate physicochemical difference between threonine and isoleucine.